The following is an entry in ClinVar:

ClinVar aggregate classification (germline): Uncertain significance (0 of 4 stars; one submission).

Conditions:
FAT1-related disorder. Also called: FAT1-related condition.

gnomAD v4.1: 1 of 1,613,824 alleles (0.000062%); highest among the groups gnomAD compares: South Asian, 0.0011%; no homozygotes.

Submission:

PreventionGenetics, part of Exact Sciences
Classification: Uncertain significance for FAT1-related condition. Last evaluated: 2024-03-14. Review status: no assertion criteria provided. Collection method: clinical testing. Allele origin: germline.
Comment: The FAT1 c.2912A>G variant is predicted to result in the amino acid substitution p.Glu971Gly. To our knowledge, this variant has not been reported in the literature or in a large population database, indicating this variant is rare. At this time, the clinical significance of this variant is uncertain due to the absence of conclusive functional and genetic evidence.

NM_005245.4(FAT1):c.2912A>G (p.Glu971Gly)

Gene: FAT1 (FAT atypical cadherin 1; minus strand). Cytogenetic location: 4q35.2.
Variant type: single nucleotide variant.
Coding change: c.2912A>G on transcript NM_005245.4 (MANE Select); coding-DNA position 2912, A replaced by G.
Protein change: p.Glu971Gly; replaces glutamic acid 971 with glycine.
Molecular consequence: missense variant.
Genome position (GRCh38, 1-based): chr4:186,706,916, T>C on the plus strand (A>G on the coding strand, the complement: FAT1 is on the minus strand). VCF-style: chr4-186706916-T-C. GRCh37 (hg19) VCF-style: chr4-187628070-T-C.
Other names: short protein forms E971G.
Identifiers: ClinVar variation 3355169 (VCV003355169.1).